The following is an entry in ClinVar:

ClinVar aggregate classification (germline): Uncertain significance (1 of 4 stars; one submission).

Conditions:
Loeys-Dietz syndrome 2 (LDS2). Also called: AORTIC ANEURYSM, FAMILIAL THORACIC 3; MARFAN SYNDROME, TYPE II; Marfan Syndrome type 2; Marfan like connective tissue disorder; MFS 2; TGFBR2-Related Loeys-Dietz Syndrome. Identifiers: Orphanet 284973, Orphanet 558, MedGen C2674574, MONDO:0012427, OMIM 610168.

Allele frequency attached by ClinVar (database versions not stated): gnomAD exomes below 0.00001.
gnomAD v4.1: 2 of 1,609,194 alleles (0.00012%); highest among the groups gnomAD compares: East Asian, 0.0022%; no homozygotes.

Submission:

Labcorp Genetics (formerly Invitae), Labcorp
Classification: Uncertain significance for Loeys-Dietz syndrome 2. Last evaluated: 2022-06-07. Review status: criteria provided, single submitter. Criteria: Invitae Variant Classification Sherloc (09022015). Collection method: clinical testing. Allele origin: germline.
Comment: This sequence change replaces alanine, which is neutral and non-polar, with threonine, which is neutral and polar, at codon 601 of the TMPO protein (p.Ala601Thr). This variant is not present in population databases (gnomAD no frequency). This variant has not been reported in the literature in individuals affected with TMPO-related conditions. Algorithms developed to predict the effect of missense changes on protein structure and function are either unavailable or do not agree on the potential impact of this missense change (SIFT: "Tolerated"; PolyPhen-2: "Probably Damaging"; Align-GVGD: "Class C0"). In summary, the available evidence is currently insufficient to determine the role of this variant in disease. Therefore, it has been classified as a Variant of Uncertain Significance.

NM_001032283.3(TMPO):c.565+2220G>A

Gene: TMPO (thymopoietin; plus strand). Cytogenetic location: 12q23.1.
Variant type: single nucleotide variant.
Coding change: c.565+2220G>A on transcript NM_001032283.3 (MANE Select); 2220 bases into the intron after coding-DNA position 565, G replaced by A.
Molecular consequence: intron variant. On other transcripts: missense variant (1).
Genome position (GRCh38, 1-based): chr12:98,534,058, G>A. VCF-style: chr12-98534058-G-A. GRCh37 (hg19) VCF-style: chr12-98927836-G-A.
Other names: c.1801G>A, p.Ala601Thr (NM_003276.2); c.565+2220G>A (NM_001307975.2, NM_001032284.3); short protein forms A601T.
Identifiers: ClinVar variation 2151088 (VCV002151088.4), dbSNP rs2548504905, ClinGen allele CA386153965.
Genomic context (GRCh38, chr12:98,534,058, plus strand): 5'-CAGATTGCAACTCACACTGCCTTTGTAGCTAAGGCTATGCAGGCAGACATTAGTCAAGCT[G>A]CACAGATTCTTAGCTCAGATCCTAGTCGTACCCACCAAGCGCTTGGGATTCTGAGCAAAA-3'